The following is an entry in ClinVar:

NM_022124.6(CDH23):c.1515-341T>A

Gene: CDH23 (cadherin related 23; plus strand). Cytogenetic location: 10q22.1.
Variant type: single nucleotide variant.
Coding change: c.1515-341T>A on transcript NM_022124.6 (MANE Select); 341 bases into the intron before coding-DNA position 1515, T replaced by A.
Molecular consequence: intron variant.
Genome position (GRCh38, 1-based): chr10:71,677,115, T>A. VCF-style: chr10-71677115-T-A. GRCh37 (hg19) VCF-style: chr10-73436872-T-A.
Other names: c.1515-341T>A (NM_001171930.2, NM_001171931.2).
Identifiers: ClinVar variation 680500 (VCV000680500.1), dbSNP rs1227038, ClinGen allele CA209427086.

ClinVar aggregate classification (germline): Benign (1 of 4 stars; one submission).

Allele frequency attached by ClinVar (database versions not stated): TOPMed 0.93537; 1000 Genomes Project 30x 0.94004; gnomAD 0.94019 and 0.94165; 1000 Genomes Project 0.94309.
gnomAD v4.1: 143,339 of 152,180 alleles (94%); highest among the groups gnomAD compares: East Asian, 100%; 67,581 homozygotes.

Submission:

GeneDx
Classification: Benign. Last evaluated: 2018-06-14. Review status: criteria provided, single submitter. Criteria: GeneDx Variant Classification (06012015). Collection method: clinical testing. Allele origin: germline. Affected: yes.
Comment: This variant is considered likely benign or benign based on one or more of the following criteria: it is a conservative change, it occurs at a poorly conserved position in the protein, it is predicted to be benign by multiple in silico algorithms, and/or has population frequency not consistent with disease.